The following is an entry in ClinVar:

ClinVar aggregate classification (germline): Uncertain significance (1 of 4 stars; one submission).

Conditions:
Inborn genetic diseases. Identifiers: MedGen C0950123, MeSH D030342.

Submission:

Ambry Genetics
Classification: Uncertain significance for Inborn genetic diseases. Last evaluated: 2022-03-24. Review status: criteria provided, single submitter. Criteria: Ambry Variant Classification Scheme 2023. Collection method: clinical testing. Allele origin: germline.
Comment: The p.G538V variant (also known as c.1613G>T), located in coding exon 12 of the ACD gene, results from a G to T substitution at nucleotide position 1613. The glycine at codon 538 is replaced by valine, an amino acid with dissimilar properties. This amino acid position is conserved. In addition, this alteration is predicted to be tolerated by in silico analysis. Since supporting evidence is limited at this time, the clinical significance of this alteration remains unclear.

NM_001082486.2(ACD):c.1355G>T (p.Gly452Val)

Gene: ACD (ACD shelterin complex subunit and telomerase recruitment factor; minus strand). Cytogenetic location: 16q22.1.
Variant type: single nucleotide variant.
Coding change: c.1355G>T on transcript NM_001082486.2 (MANE Select); coding-DNA position 1355, G replaced by T.
Protein change: p.Gly452Val; replaces glycine 452 with valine.
Molecular consequence: missense variant.
Genome position (GRCh38, 1-based): chr16:67,657,628, C>A on the plus strand (G>T on the coding strand, the complement: ACD is on the minus strand). VCF-style: chr16-67657628-C-A. GRCh37 (hg19) VCF-style: chr16-67691531-C-A.
Other names: c.1268G>T, p.Gly423Val (NM_001410884.1); c.1346G>T, p.Gly449Val (NM_022914.3); short protein forms G449V, G423V, G452V.
Identifiers: ClinVar variation 1776443 (VCV001776443.2), dbSNP rs2052894796, ClinGen allele CA396349557.
Genomic context (GRCh38, chr16:67,657,628, plus strand): 5'-AAGCAGAGTGTGGAGCGGTATCTGTCCTGCGTGACGTCTCACATCGGAGTTGGCTCAGAC[C>A]CTGGCTGTGCATCCATCAGAAAGTGCAAGGCCCAGGCCATGAGCTGGGGAGGAAGCCTGG-3'
Protein context (NP_001075955.2, residues 442-458): ALHFLMDAQP[Gly452Val]SEPTPM